The following is an entry in ClinVar:

NM_000257.4(MYH7):c.485A>C (p.Tyr162Ser)

Gene: MYH7 (myosin heavy chain 7; minus strand). Cytogenetic location: 14q11.2.
Variant type: single nucleotide variant.
Coding change: c.485A>C on transcript NM_000257.4 (MANE Select); coding-DNA position 485, A replaced by C.
Protein change: p.Tyr162Ser; replaces tyrosine 162 with serine.
Molecular consequence: missense variant.
Genome position (GRCh38, 1-based): chr14:23,432,656, T>G on the plus strand (A>C on the coding strand, the complement: MYH7 is on the minus strand). VCF-style: chr14-23432656-T-G. GRCh37 (hg19) VCF-style: chr14-23901865-T-G.
Other names: c.485A>C, p.Tyr162Ser (NM_001407004.1); short protein forms Y162S.
Identifiers: ClinVar variation 3895375 (VCV003895375.1).

ClinVar aggregate classification (germline): Uncertain significance (1 of 4 stars; one submission).

Conditions:
Cardiovascular phenotype. Identifiers: MedGen CN230736.

Submission:

Molecular Diagnostic Laboratory for Inherited Cardiovascular Disease, Montreal Heart Institute
Classification: Uncertain significance for Cardiovascular phenotype. Last evaluated: 2025-04-09. Review status: criteria provided, single submitter. Criteria: ACMG Guidelines, 2015. Collection method: clinical testing. Allele origin: germline. Affected: yes.
Comment: PM2, PM5, PP3